The following is an entry in ClinVar:

ClinVar aggregate classification (germline): Pathogenic. Review status: criteria provided, multiple submitters, no conflicts (2 of 4 stars). 2 submissions from 2 submitters: Pathogenic (2). Last evaluated 2023-11-28.

Conditions:
Inborn genetic diseases. Identifiers: MedGen C0950123, MeSH D030342.
Mowat-Wilson syndrome (MOWS). Also called: Classic Mowat-Wilson Syndrome. Identifiers: Orphanet 2152, MedGen C1856113, MONDO:0009341, OMIM 235730.

Submissions (2):

Ambry Genetics
Classification: Pathogenic for Inborn genetic diseases. Last evaluated: 2023-11-28. Review status: criteria provided, single submitter. Criteria: Ambry Variant Classification Scheme 2023. Collection method: clinical testing. Allele origin: germline.
Comment: The c.2856delG (p.R953Efs*24) alteration, located in exon 8 (coding exon 7) of the ZEB2 gene, consists of a deletion of one nucleotide at position 2856, causing a translational frameshift with a predicted alternate stop codon after 24 amino acids. This alteration is expected to result in loss of function by premature protein truncation or nonsense-mediated mRNA decay. This variant was not reported in population-based cohorts in the Genome Aggregation Database (gnomAD). This variant has been detected in 2 individuals with Mowat-Wilson syndrome (Baetens, 2014; Garavelli, 2017). Based on the available evidence, this alteration is classified as pathogenic.

Labcorp Genetics (formerly Invitae), Labcorp
Classification: Pathogenic for Mowat-Wilson syndrome. Last evaluated: 2023-09-22. Review status: criteria provided, single submitter. Criteria: Invitae Variant Classification Sherloc (09022015). Collection method: clinical testing. Allele origin: germline.
Comment: This sequence change creates a premature translational stop signal (p.Arg953Glufs*24) in the ZEB2 gene. It is expected to result in an absent or disrupted protein product. Loss-of-function variants in ZEB2 are known to be pathogenic (PMID: 16053902). This variant is not present in population databases (gnomAD no frequency). This premature translational stop signal has been observed in individual(s) with Mowat-Wilson syndrome (PMID: 25497574, 27831545). For these reasons, this variant has been classified as Pathogenic.

Literature cited by the submitters: PubMed 25497574 (cited by Ambry Genetics and Labcorp Genetics (formerly Invitae), Labcorp); PubMed 27831545 (cited by Ambry Genetics and Labcorp Genetics (formerly Invitae), Labcorp); PubMed 16053902 (cited by Labcorp Genetics (formerly Invitae), Labcorp).

NM_014795.4(ZEB2):c.2856del (p.Arg953fs)

Gene: ZEB2 (zinc finger E-box binding homeobox 2; minus strand). Cytogenetic location: 2q22.3.
Variant type: Deletion.
Coding change: c.2856del on transcript NM_014795.4 (MANE Select); coding-DNA position 2856, one base deleted (G; older notation c.2856delG).
Protein change: p.Arg953fs; shifts the reading frame from arginine 953.
Molecular consequence: frameshift variant.
Genome position (GRCh38, 1-based): chr2:144,398,331, C deleted on the plus strand (G on the coding strand, the reverse complement: ZEB2 is on the minus strand); the first of 2 consecutive C bases (chr2:144,398,331-144,398,332); deleting either gives the same sequence. VCF-style (leftmost placement, unchanged base first): chr2-144398330-TC-T. GRCh37 (hg19) VCF-style: chr2-145155897-TC-T.
Other names: c.2856delG (NM_014795.3); c.2784del, p.Arg929fs (NM_001171653.2); short protein forms R929fs, R953fs.
Identifiers: ClinVar variation 2734276 (VCV002734276.4), dbSNP rs2549105628, ClinGen allele CA2586970069.